The following is an entry in ClinVar:

ClinVar aggregate classification (germline): Uncertain significance (1 of 4 stars; one submission).

Submission:

Women's Health and Genetics/Laboratory Corporation of America, LabCorp
Classification: Uncertain significance. Last evaluated: 2022-04-12. Review status: criteria provided, single submitter. Criteria: LabCorp Variant Classification Summary - May 2015. Collection method: clinical testing. Allele origin: germline.
Comment: Variant summary: The variant identified by MLPA or other technology involves the duplication of exons 1-15 in the GLDC gene. A presumed nomenclature of c.(?_-194)_(1850+1_1851-1)dup has been designated for the purposes of this classification. It has been assumed that this is a tandem duplication in direct orientation (Richardson_GIM_2018, Newman_AJHG_2015). The variant allele was found at a frequency of 9.2e-05 in 21694 control chromosomes in the gnomAD Structural Variants database, including 1 homozygote. The available data on variant occurrences in the general population are insufficient to allow any conclusion about variant significance. To our knowledge, no occurrence of c.(?_-194)_(1850+1_1851-1)dup in individuals affected with Glycine Encephalopathy (Non-Ketotic Hyperglycinemia) and no experimental evidence demonstrating its impact on protein function have been reported. A ClinVar submitter (evaluation after 2014) cites the variant as uncertain significance. Based on the evidence outlined above, the variant was classified as uncertain significance.

NC_000009.11:g.(6565430_6587140)_(6645693_?)dup

Gene: GLDC (glycine decarboxylase; minus strand). Cytogenetic location: 9p24.1.
Variant type: Duplication.
Identifiers: ClinVar variation 1683227 (VCV001683227.1).